The following is an entry in ClinVar:

NM_000090.4(COL3A1):c.1754G>T (p.Gly585Val)

Gene: COL3A1 (collagen type III alpha 1 chain; plus strand). Cytogenetic location: 2q32.2.
Variant type: single nucleotide variant.
Coding change: c.1754G>T on transcript NM_000090.4 (MANE Select); coding-DNA position 1754, G replaced by T.
Protein change: p.Gly585Val; replaces glycine 585 with valine.
Molecular consequence: missense variant.
Genome position (GRCh38, 1-based): chr2:188,996,489, G>T. VCF-style: chr2-188996489-G-T. GRCh37 (hg19) VCF-style: chr2-189861215-G-T.
Other names: short protein forms G585V.
Identifiers: ClinVar variation 1508322 (VCV001508322.9), dbSNP rs2153502692, ClinGen allele CA349852898.
Genomic context (GRCh38, chr2:188,996,489, plus strand): 5'-CTCCTGGGCCATCTGGTCCCCGAGGTCAGCCTGGTGTCATGGGCTTCCCCGGTCCTAAAG[G>T]AAATGATGTGAGTTCCTTCATTAATTTCTTCAATAAATATTTGACTGGAAGGCTTTTATT-3'
Protein context (NP_000081.2, residues 575-595): PGVMGFPGPK[Gly585Val]NDGAPGKNGE

ClinVar aggregate classification (germline): Conflicting classifications of pathogenicity. Review status: criteria provided, conflicting classifications (1 of 4 stars). 2 submissions from 2 submitters: Likely pathogenic (1); Uncertain significance (1). Last evaluated 2020-12-30.

Conditions:
Ehlers-Danlos syndrome, type 4 (EDSVASC). Also called: Ehlers-Danlos syndrome vascular type; Ehlers Danlos syndrome, ecchymotic type; Ehlers Danlos syndrome, arterial type; Ehlers Danlos syndrome, Sack-Barabas type; Ehlers-Danlos Syndrome Type IV. Identifiers: Orphanet 286, MedGen C0268338, MONDO:0017314, OMIM 130050.

Submissions (2):

Labcorp Genetics (formerly Invitae), Labcorp
Classification: Likely pathogenic for Ehlers-Danlos syndrome, type 4. Last evaluated: 2020-12-30. Review status: criteria provided, single submitter. Criteria: Invitae Variant Classification Sherloc (09022015). Collection method: clinical testing. Allele origin: germline.
Comment: Advanced modeling of protein sequence and biophysical properties (such as structural, functional, and spatial information, amino acid conservation, physicochemical variation, residue mobility, and thermodynamic stability) performed at Invitae indicates that this missense variant is expected to disrupt COL3A1 protein function. This variant has not been reported in the literature in individuals with COL3A1-related conditions. This variant is not present in population databases (ExAC no frequency). This sequence change replaces glycine with valine at codon 585 of the COL3A1 protein (p.Gly585Val). The glycine residue is highly conserved and there is a moderate physicochemical difference between glycine and valine. Algorithms developed to predict the effect of sequence changes on RNA splicing suggest that this variant may create or strengthen a splice site, but this prediction has not been confirmed by published transcriptional studies. In summary, the currently available evidence indicates that the variant is pathogenic, but additional data are needed to prove that conclusively. Therefore, this variant has been classified as Likely Pathogenic. This variant disrupts the triple helix domain of COL3A1. Glycine residues within the Gly-Xaa-Yaa repeats of the triple helix domain are required for the structure and stability of fibrillar collagens (PMID: 7695699, 8218237, 19344236). In COL3A1, variants that affect these glycine residues are significantly enriched in individuals with disease (PMID: 24922459, 25758994) compared to the general population (ExAC).

Genetics and Molecular Pathology, SA Pathology
Classification: Uncertain significance for Ehlers-Danlos syndrome, type 4. Last evaluated: 2020-04-02. Review status: criteria provided, single submitter. Criteria: ACMG Guidelines, 2015. Collection method: clinical testing. Allele origin: germline. Affected: yes.
Comment: PM2, PP3, PP2

Literature cited by the submitters: PubMed 7695699 (cited by Labcorp Genetics (formerly Invitae), Labcorp); PubMed 8218237 (cited by Labcorp Genetics (formerly Invitae), Labcorp); PubMed 19344236 (cited by Labcorp Genetics (formerly Invitae), Labcorp); PubMed 24922459 (cited by Labcorp Genetics (formerly Invitae), Labcorp); PubMed 25758994 (cited by Labcorp Genetics (formerly Invitae), Labcorp).